The following is an entry in ClinVar:

NM_005560.6(LAMA5):c.5145A>T (p.Glu1715Asp)

Gene: LAMA5 (laminin subunit alpha 5; minus strand). Cytogenetic location: 20q13.33.
Variant type: single nucleotide variant.
Coding change: c.5145A>T on transcript NM_005560.6 (MANE Select); coding-DNA position 5145, A replaced by T.
Protein change: p.Glu1715Asp; replaces glutamic acid 1715 with aspartic acid.
Molecular consequence: missense variant.
Genome position (GRCh38, 1-based): chr20:62,326,934, T>A on the plus strand (A>T on the coding strand, the complement: LAMA5 is on the minus strand). VCF-style: chr20-62326934-T-A. GRCh37 (hg19) VCF-style: chr20-60901990-T-A.
Other names: c.5145A>T (NM_005560.3); short protein forms E1715D.
Identifiers: ClinVar variation 2752413 (VCV002752413.4), dbSNP rs755626810, ClinGen allele CA9942313.

ClinVar aggregate classification (germline): Uncertain significance. Review status: criteria provided, multiple submitters, no conflicts (2 of 4 stars). 3 submissions from 3 submitters: Uncertain significance (3). Last evaluated 2025-09-22.

Conditions:
Inborn genetic diseases. Identifiers: MedGen C0950123, MeSH D030342.

Allele frequency attached by ClinVar (database versions not stated): gnomAD exomes below 0.00001; ExAC 0.00001; TOPMed 0.00001; gnomAD 0.00003.
gnomAD v4.1: 19 of 1,611,364 alleles (0.0012%); highest among the groups gnomAD compares: Admixed American, 0.0067%; 2 homozygotes.

Submissions (3):

Ambry Genetics
Classification: Uncertain significance for Inborn genetic diseases. Last evaluated: 2025-09-22. Review status: criteria provided, single submitter. Criteria: Ambry Variant Classification Scheme 2023. Collection method: clinical testing. Allele origin: germline.

Blueprint Genetics
Classification: Uncertain significance. Last evaluated: 2024-11-25. Review status: criteria provided, single submitter. Criteria: ACMG Guidelines, 2015. Collection method: clinical testing. Allele origin: germline.

Labcorp Genetics (formerly Invitae), Labcorp
Classification: Uncertain significance. Last evaluated: 2024-11-18. Review status: criteria provided, single submitter. Criteria: Invitae Variant Classification Sherloc (09022015). Collection method: clinical testing. Allele origin: germline.
Comment: This sequence change replaces glutamic acid, which is acidic and polar, with aspartic acid, which is acidic and polar, at codon 1715 of the LAMA5 protein (p.Glu1715Asp). The frequency data for this variant in the population databases is considered unreliable, as metrics indicate poor data quality at this position in the gnomAD database. This variant has not been reported in the literature in individuals affected with LAMA5-related conditions. ClinVar contains an entry for this variant (Variation ID: 2752413). An algorithm developed to predict the effect of missense changes on protein structure and function (PolyPhen-2) suggests that this variant is likely to be disruptive. In summary, the available evidence is currently insufficient to determine the role of this variant in disease. Therefore, it has been classified as a Variant of Uncertain Significance.